The following is an entry in ClinVar:

ClinVar aggregate classification (germline): Pathogenic (1 of 4 stars; one submission).

Conditions:
X-linked agammaglobulinemia (XLA). Also called: IMMUNODEFICIENCY 1; Agammaglobulinemia, Bruton tyrosine kinase; Agammaglobulinemia, BTK; BTK-deficiency; Bruton's agammaglobulinemia; AGAMMAGLOBULINEMIA, X-LINKED, TYPE 1. Identifiers: Orphanet 229717, Orphanet 47, MedGen C0221026, MONDO:0010421, OMIM 300755.

Submission:

Juno Genomics, Hangzhou Juno Genomics, Inc
Classification: Pathogenic for X-linked agammaglobulinemia. Review status: criteria provided, single submitter. Criteria: ACMG Guidelines, 2015. Collection method: clinical testing. Allele origin: germline. Affected: yes.
Comment: Absent from controls (or at extremely low frequency if recessive) in Genome Aggregation Database, Exome Sequencing Project, 1000 Genomes Project, or Exome Aggregation Consortium.;Multiple lines of computational evidence support a deleterious effect on the gene or gene product (conservation, evolutionary, splicing impact, etc).;Located in a mutational hot spot and/or critical and well-established functional domain (e.g. active site of an enzyme) without benign variation.;Novel missense change at an amino acid residue where a different missense change determined to be pathogenic has been seen before.;The prevalence of the variant in affected individuals is significantly increased compared to the prevalence in controls.;Patient's phenotype or family history is highly specific for a disease with a single genetic etiology.

NM_000061.3(BTK):c.862C>G (p.Arg288Gly)

Gene: BTK (Bruton tyrosine kinase; minus strand). Cytogenetic location: Xq22.1.
Variant type: single nucleotide variant.
Coding change: c.862C>G on transcript NM_000061.3 (MANE Select); coding-DNA position 862, C replaced by G.
Protein change: p.Arg288Gly; replaces arginine 288 with glycine.
Molecular consequence: missense variant.
Genome position (GRCh38, 1-based): chrX:101,359,325, G>C on the plus strand (C>G on the coding strand, the complement: BTK is on the minus strand). VCF-style: chrX-101359325-G-C. GRCh37 (hg19) VCF-style: chrX-100614313-G-C.
Other names: c.964C>G, p.Arg322Gly (NM_001287344.2); c.862C>G, p.Arg288Gly (NM_001287345.2); short protein forms R288G, R322G.
Identifiers: ClinVar variation 4796545 (VCV004796545.1).